The following is an entry in ClinVar:

NM_001346754.2(PIGW):c.1096C>T (p.Arg366Ter)

Genes: MYO19 (myosin XIX; minus strand), PIGW (phosphatidylinositol glycan anchor biosynthesis class W; plus strand). Cytogenetic location: 17q12.
Variant type: single nucleotide variant.
Coding change: c.1096C>T on transcript NM_001346754.2 (MANE Select); coding-DNA position 1096, C replaced by T.
Protein change: p.Arg366Ter; replaces arginine 366 with a stop codon.
Molecular consequence: nonsense.
Genome position (GRCh38, 1-based): chr17:36,538,197, C>T. VCF-style: chr17-36538197-C-T. GRCh37 (hg19) VCF-style: chr17-34894046-C-T.
Other names: c.1096C>T, p.Arg366Ter (NM_001346755.2, NM_178517.5); short protein forms R366*.
Identifiers: ClinVar variation 1373116 (VCV001373116.5), dbSNP rs747591955, ClinGen allele CA290116590.
Genomic context (GRCh38, chr17:36,538,197, plus strand): 5'-GCAGCTATTAGCCTCTTCATATCTCTTTACGTAGTTCAAGTAAATGTAGAAGCAGTATCT[C>T]GAAGAATGGCAAATTTAGCCTTTTGTATTTGGATAGTTGCTTCTAGCCTGATCCTTCTTA-3'

ClinVar aggregate classification (germline): Uncertain significance (1 of 4 stars; one submission).

Conditions:
Hyperphosphatasia with intellectual disability syndrome 5 (GPIBD11). Also called: GLYCOSYLPHOSPHATIDYLINOSITOL BIOSYNTHESIS DEFECT 11. Identifiers: Orphanet 247262, MedGen C4014958, MONDO:0014457, OMIM 616025.

Allele frequency attached by ClinVar (database versions not stated): TOPMed 0.00002; gnomAD 0.00001.
gnomAD v4.1: 35 of 1,613,250 alleles (0.0022%); highest among the groups gnomAD compares: South Asian, 0.0033%; no homozygotes.

Submission:

Labcorp Genetics (formerly Invitae), Labcorp
Classification: Uncertain significance for Hyperphosphatasia with intellectual disability syndrome 5. Last evaluated: 2021-10-14. Review status: criteria provided, single submitter. Criteria: Invitae Variant Classification Sherloc (09022015). Collection method: clinical testing. Allele origin: germline.
Comment: This sequence change creates a premature translational stop signal (p.Arg366*) in the PIGW gene. While this is not anticipated to result in nonsense mediated decay, it is expected to disrupt the last 139 amino acid(s) of the PIGW protein. This variant is not present in population databases (ExAC no frequency). This variant has not been reported in the literature in individuals affected with PIGW-related conditions. Experimental studies and prediction algorithms are not available or were not evaluated, and the functional significance of this variant is currently unknown. In summary, the available evidence is currently insufficient to determine the role of this variant in disease. Therefore, it has been classified as a Variant of Uncertain Significance.